The following is an entry in ClinVar:

ClinVar aggregate classification (germline): Uncertain significance (1 of 4 stars; one submission).

Conditions:
Inborn genetic diseases. Identifiers: MedGen C0950123, MeSH D030342.

Submission:

Ambry Genetics
Classification: Uncertain significance for Inborn genetic diseases. Last evaluated: 2026-04-20. Review status: criteria provided, single submitter. Criteria: Ambry Variant Classification Scheme 2023. Collection method: clinical testing. Allele origin: germline.
Comment: The p.L453Q variant (also known as c.1358T>A), located in coding exon 10 of the BUB1B gene, results from a T to A substitution at nucleotide position 1358. The leucine at codon 453 is replaced by glutamine, an amino acid with dissimilar properties. This amino acid position is conserved. In addition, this alteration is predicted to be tolerated by in silico analysis. Based on the available evidence, the clinical significance of this variant remains unclear.

NM_001211.6(BUB1B):c.1358T>A (p.Leu453Gln)

Gene: BUB1B (BUB1 mitotic checkpoint serine/threonine kinase B; plus strand). Cytogenetic location: 15q15.1.
Variant type: single nucleotide variant.
Coding change: c.1358T>A on transcript NM_001211.6 (MANE Select); coding-DNA position 1358, T replaced by A.
Protein change: p.Leu453Gln; replaces leucine 453 with glutamine.
Molecular consequence: missense variant.
Genome position (GRCh38, 1-based): chr15:40,199,684, T>A. VCF-style: chr15-40199684-T-A. GRCh37 (hg19) VCF-style: chr15-40491885-T-A.
Other names: short protein forms L453Q.
Identifiers: ClinVar variation 4867998 (VCV004867998.1).
Genomic context (GRCh38, chr15:40,199,684, plus strand): 5'-TGACCAGTGCAGAGAAGAGAGCAGAAATGCAGAAACAGATTGAAGAGATGGAGAAGAAGC[T>A]AAAAGAAATCCAAACTACTCAGCAAGAAAGAACAGGTGATCAGGTAATTTTTCTTTTTTC-3'
Protein context (NP_001202.5, residues 443-463): QKQIEEMEKK[Leu453Gln]KEIQTTQQER